The following is an entry in ClinVar:

NM_144573.4(NEXN):c.1659+2T>C

Gene: NEXN (nexilin F-actin binding protein; plus strand). Cytogenetic location: 1p31.1.
Variant type: single nucleotide variant.
Coding change: c.1659+2T>C on transcript NM_144573.4 (MANE Select); the canonical splice donor site of the intron after coding-DNA position 1659, T replaced by C.
Molecular consequence: splice donor variant.
Genome position (GRCh38, 1-based): chr1:77,942,210, T>C. VCF-style: chr1-77942210-T-C. GRCh37 (hg19) VCF-style: chr1-78407895-T-C.
Other names: c.1467+2T>C (NM_001172309.2).
Identifiers: ClinVar variation 2045258 (VCV002045258.1), dbSNP rs1217727550, ClinGen allele CA340881694.
Genomic context (GRCh38, chr1:77,942,210, plus strand): 5'-AACAAAAGTTACTACGCATGCAGTTTGAACAAAGGGAAATTGATGCAGCACTACAAAAGG[T>C]ACCAGGCTTATGTATCCTTTATTTTCCAAAGATGCCCTCTTAAAACCCATAGTTTTATAA-3'

ClinVar aggregate classification (germline): Uncertain significance (1 of 4 stars; one submission).

Conditions:
Hypertrophic cardiomyopathy 20. Identifiers: MedGen C3151267, MONDO:0013477, OMIM 613876.
Dilated cardiomyopathy 1CC (CMD1CC). Identifiers: Orphanet 154, MedGen C2751084, MONDO:0013147, OMIM 613122.

Allele frequency attached by ClinVar (database versions not stated): gnomAD exomes below 0.00001.
gnomAD v4.1: 1 of 1,612,544 alleles (0.000062%); highest among the groups gnomAD compares: Non-Finnish European, 0.000085%; no homozygotes.

Submission:

Labcorp Genetics (formerly Invitae), Labcorp
Classification: Uncertain significance for Dilated cardiomyopathy 1CC; Hypertrophic cardiomyopathy 20. Last evaluated: 2022-07-05. Review status: criteria provided, single submitter. Criteria: Invitae Variant Classification Sherloc (09022015). Collection method: clinical testing. Allele origin: germline.
Comment: This sequence change affects a donor splice site in intron 12 of the NEXN gene. While this variant is not anticipated to result in nonsense mediated decay, it likely alters RNA splicing and results in a disrupted protein product. This variant is present in population databases (no rsID available, gnomAD no frequency). This variant has not been reported in the literature in individuals affected with NEXN-related conditions. Variants that disrupt the consensus splice site are a relatively common cause of aberrant splicing (PMID: 17576681, 9536098). Algorithms developed to predict the effect of sequence changes on RNA splicing suggest that this variant may disrupt the consensus splice site. In summary, the available evidence is currently insufficient to determine the role of this variant in disease. Therefore, it has been classified as a Variant of Uncertain Significance.

Literature cited by the submitters: PubMed 17576681; PubMed 9536098.